The following is an entry in ClinVar:

ClinVar aggregate classification (germline): Uncertain significance (1 of 4 stars; one submission).

Submission:

Labcorp Genetics (formerly Invitae), Labcorp
Classification: Uncertain significance. Last evaluated: 2026-01-05. Review status: criteria provided, single submitter. Criteria: Invitae Variant Classification Sherloc (09022015). Collection method: clinical testing. Allele origin: germline.
Comment: This sequence change falls in intron 2 of the KRT6B gene. It does not directly change the encoded amino acid sequence of the KRT6B protein. It affects a nucleotide within the consensus splice site. This variant is not present in population databases (gnomAD no frequency). This variant has not been reported in the literature in individuals affected with KRT6B-related conditions. ClinVar contains an entry for this variant (Variation ID: 2035369). Variants that disrupt the consensus splice site are a relatively common cause of aberrant splicing (PMID: 17576681, 9536098). Experimental studies and prediction algorithms are not available or were not evaluated, and the effect of this variant on mRNA splicing is currently unknown. In summary, the available evidence is currently insufficient to determine the role of this variant in disease. Therefore, it has been classified as a Variant of Uncertain Significance.

Literature cited by the submitters: PubMed 17576681; PubMed 9536098.

NM_005555.4(KRT6B):c.755+6_755+12delinsTTAAACAGGAGAAATGGACTCAG

Gene: KRT6B (keratin 6B; minus strand). Cytogenetic location: 12q13.13.
Variant type: Indel.
Coding change: c.755+6_755+12delinsTTAAACAGGAGAAATGGACTCAG on transcript NM_005555.4 (MANE Select); bases 6 to 12 of the intron after coding-DNA position 755, GACTCCA replaced by TTAAACAGGAGAAATGGACTCAG.
Molecular consequence: intron variant.
Genome position (GRCh38, 1-based): chr12:52,450,394-52,450,400, TGGAGTC replaced by CTGAGTCCATTTCTCCTGTTTAA on the plus strand (GACTCCA replaced by TTAAACAGGAGAAATGGACTCAG on the coding strand, the reverse complement: KRT6B is on the minus strand). VCF-style: chr12-52450394-TGGAGTC-CTGAGTCCATTTCTCCTGTTTAA. GRCh37 (hg19) VCF-style: chr12-52844178-TGGAGTC-CTGAGTCCATTTCTCCTGTTTAA.
Identifiers: ClinVar variation 2035369 (VCV002035369.4), dbSNP rs2498445375, ClinGen allele CA2580086455.